The following is an entry in ClinVar:

NM_213607.3(DNAAF19):c.603G>T (p.Met201Ile)

Gene: DNAAF19 (dynein axonemal assembly factor 19; plus strand). Cytogenetic location: 17q21.31.
Variant type: single nucleotide variant.
Coding change: c.603G>T on transcript NM_213607.3 (MANE Select); coding-DNA position 603, G replaced by T.
Protein change: p.Met201Ile; replaces methionine 201 with isoleucine.
Molecular consequence: missense variant. On other transcripts: 3 prime UTR variant (3).
Genome position (GRCh38, 1-based): chr17:44,902,691, G>T. VCF-style: chr17-44902691-G-T. GRCh37 (hg19) VCF-style: chr17-42980059-G-T.
Other names: c.603G>T, p.Met201Ile (NM_001258395.2, NM_001258396.2); c.*353G>T (NM_001258397.3); c.*292G>T (NM_001258398.3, NM_001258399.2); short protein forms M201I.
Identifiers: ClinVar variation 1938017 (VCV001938017.2), dbSNP rs1270530658, ClinGen allele CA399829897.

ClinVar aggregate classification (germline): Uncertain significance (1 of 4 stars; one submission).

Conditions:
Primary ciliary dyskinesia. Also called: Ciliary dyskinesia. Identifiers: Orphanet 244, MedGen C0008780, MONDO:0016575, HP:0012265.

Allele frequency attached by ClinVar (database versions not stated): gnomAD exomes below 0.00001; TOPMed below 0.00001.
gnomAD v4.1: 3 of 1,613,974 alleles (0.00019%); highest among the groups gnomAD compares: Non-Finnish European, 0.00025%; no homozygotes.

Submission:

Labcorp Genetics (formerly Invitae), Labcorp
Classification: Uncertain significance for Primary ciliary dyskinesia. Last evaluated: 2021-12-03. Review status: criteria provided, single submitter. Criteria: Invitae Variant Classification Sherloc (09022015). Collection method: clinical testing. Allele origin: germline.
Comment: This sequence change replaces methionine, which is neutral and non-polar, with isoleucine, which is neutral and non-polar, at codon 201 of the CCDC103 protein (p.Met201Ile). This variant is not present in population databases (gnomAD no frequency). This variant has not been reported in the literature in individuals affected with CCDC103-related conditions. Algorithms developed to predict the effect of missense changes on protein structure and function (SIFT, PolyPhen-2, Align-GVGD) all suggest that this variant is likely to be tolerated. In summary, the available evidence is currently insufficient to determine the role of this variant in disease. Therefore, it has been classified as a Variant of Uncertain Significance.